The following is an entry in ClinVar:

ClinVar aggregate classification (germline): Uncertain significance. Review status: criteria provided, multiple submitters, no conflicts (2 of 4 stars). 3 submissions from 3 submitters: Uncertain significance (3). Last evaluated 2023-05-07.

Conditions:
Charcot-Marie-Tooth disease axonal type 2S. Also called: CHARCOT-MARIE-TOOTH NEUROPATHY, TYPE 2S; CHARCOT-MARIE-TOOTH DISEASE, AXONAL, AUTOSOMAL RECESSIVE, TYPE 2S. Identifiers: Orphanet 443073, MedGen C4015349, MONDO:0014511, OMIM 616155.
Autosomal recessive distal spinal muscular atrophy 1. Also called: HMN VI; NEURONOPATHY, SEVERE INFANTILE AXONAL, WITH RESPIRATORY FAILURE; SEVERE INFANTILE AXONAL NEUROPATHY WITH RESPIRATORY FAILURE; SPINAL MUSCULAR ATROPHY, DIAPHRAGMATIC; Spinal muscular atrophy with respiratory distress 1; NEURONOPATHY, DISTAL HEREDITARY MOTOR, HARDING TYPE VI. Identifiers: Orphanet 98920, MedGen C1858517, MONDO:0011436, OMIM 604320.

Allele frequency attached by ClinVar (database versions not stated): gnomAD exomes below 0.00001 and 0.00001; gnomAD 0.00001; TOPMed 0.00001.

Submissions (3):

GeneDx
Classification: Uncertain significance. Last evaluated: 2023-05-07. Review status: criteria provided, single submitter. Criteria: GeneDx Variant Classification Process June 2021. Collection method: clinical testing. Allele origin: germline. Affected: yes.
Comment: Not observed at significant frequency in large population cohorts (gnomAD); In silico analysis supports that this missense variant has a deleterious effect on protein structure/function; Has not been previously published as pathogenic or benign to our knowledge

Labcorp Genetics (formerly Invitae), Labcorp
Classification: Uncertain significance for Autosomal recessive distal spinal muscular atrophy 1; Charcot-Marie-Tooth disease axonal type 2S. Last evaluated: 2021-09-15. Review status: criteria provided, single submitter. Criteria: Invitae Variant Classification Sherloc (09022015). Collection method: clinical testing. Allele origin: germline.
Comment: This sequence change replaces threonine with isoleucine at codon 625 of the IGHMBP2 protein (p.Thr625Ile). The threonine residue is weakly conserved and there is a moderate physicochemical difference between threonine and isoleucine. This variant is not present in population databases (ExAC no frequency). This variant has not been reported in the literature in individuals affected with IGHMBP2-related conditions. ClinVar contains an entry for this variant (Variation ID: 305848). Advanced modeling of protein sequence and biophysical properties (such as structural, functional, and spatial information, amino acid conservation, physicochemical variation, residue mobility, and thermodynamic stability) performed at Invitae indicates that this missense variant is not expected to disrupt IGHMBP2 protein function. In summary, the available evidence is currently insufficient to determine the role of this variant in disease. Therefore, it has been classified as a Variant of Uncertain Significance.

Illumina Laboratory Services, Illumina
Classification: Uncertain significance for Autosomal recessive distal spinal muscular atrophy 1. Last evaluated: 2018-01-13. Review status: criteria provided, single submitter. Criteria: ICSL Variant Classification Criteria 13 December 2019. Collection method: clinical testing. Allele origin: germline.

NM_002180.3(IGHMBP2):c.1874C>T (p.Thr625Ile)

Gene: IGHMBP2 (immunoglobulin mu DNA binding protein 2; plus strand). Cytogenetic location: 11q13.3.
Variant type: single nucleotide variant.
Coding change: c.1874C>T on transcript NM_002180.3 (MANE Select); coding-DNA position 1874, C replaced by T.
Protein change: p.Thr625Ile; replaces threonine 625 with isoleucine.
Molecular consequence: missense variant.
Genome position (GRCh38, 1-based): chr11:68,936,354, C>T. VCF-style: chr11-68936354-C-T. GRCh37 (hg19) VCF-style: chr11-68703822-C-T.
Other names: short protein forms T625I.
Identifiers: ClinVar variation 305848 (VCV000305848.8), dbSNP rs886048605, ClinGen allele CA10639957.